The following is an entry in ClinVar:

NM_005732.4(RAD50):c.748C>A (p.Pro250Thr)

Gene: RAD50 (RAD50 double strand break repair protein; plus strand). Cytogenetic location: 5q31.1.
Variant type: single nucleotide variant.
Coding change: c.748C>A on transcript NM_005732.4 (MANE Select); coding-DNA position 748, C replaced by A.
Protein change: p.Pro250Thr; replaces proline 250 with threonine.
Molecular consequence: missense variant.
Genome position (GRCh38, 1-based): chr5:132,580,058, C>A. VCF-style: chr5-132580058-C-A. GRCh37 (hg19) VCF-style: chr5-131915750-C-A.
Other names: short protein forms P250T.
Identifiers: ClinVar variation 480464 (VCV000480464.5), dbSNP rs1554097833, ClinGen allele CA360937419.

ClinVar aggregate classification (germline): Uncertain significance (1 of 4 stars; one submission).

Conditions:
Hereditary cancer-predisposing syndrome. Also called: Hereditary Cancer Syndrome; Neoplastic Syndromes, Hereditary; Tumor predisposition; Hereditary neoplastic syndrome. Identifiers: Orphanet 140162, MedGen C0027672, MeSH D009386, MONDO:0015356.

Submission:

Ambry Genetics
Classification: Uncertain significance for Hereditary cancer-predisposing syndrome. Last evaluated: 2024-02-29. Review status: criteria provided, single submitter. Criteria: Ambry Variant Classification Scheme 2023. Collection method: clinical testing. Allele origin: germline.
Comment: The p.P250T variant (also known as c.748C>A), located in coding exon 5 of the RAD50 gene, results from a C to A substitution at nucleotide position 748. The proline at codon 250 is replaced by threonine, an amino acid with highly similar properties. This amino acid position is highly conserved in available vertebrate species. In addition, the in silico prediction for this alteration is inconclusive. Since supporting evidence is limited at this time, the clinical significance of this alteration remains unclear.